The following is an entry in ClinVar:

NM_020964.3(EPG5):c.2857A>G (p.Ile953Val)

Gene: EPG5 (ectopic P-granules 5 autophagy tethering factor; minus strand). Cytogenetic location: 18q21.1.
Variant type: single nucleotide variant.
Coding change: c.2857A>G on transcript NM_020964.3 (MANE Select); coding-DNA position 2857, A replaced by G.
Protein change: p.Ile953Val; replaces isoleucine 953 with valine.
Molecular consequence: missense variant.
Genome position (GRCh38, 1-based): chr18:45,922,582, T>C on the plus strand (A>G on the coding strand, the complement: EPG5 is on the minus strand). VCF-style: chr18-45922582-T-C. GRCh37 (hg19) VCF-style: chr18-43502548-T-C.
Other names: c.2857A>G (NM_020964.2); short protein forms I953V.
Identifiers: ClinVar variation 1415430 (VCV001415430.8), dbSNP rs2145760173, ClinGen allele CA402344498.

ClinVar aggregate classification (germline): Uncertain significance. Review status: criteria provided, multiple submitters, no conflicts (2 of 4 stars). 2 submissions from 2 submitters: Uncertain significance (2). Last evaluated 2025-09-01.

Conditions:
Vici syndrome (VICIS). Identifiers: Orphanet 1493, MedGen C1855772, MONDO:0009452, OMIM 242840.
Inborn genetic diseases. Identifiers: MedGen C0950123, MeSH D030342.

Submissions (2):

Ambry Genetics
Classification: Uncertain significance for Inborn genetic diseases. Last evaluated: 2025-09-01. Review status: criteria provided, single submitter. Criteria: Ambry Variant Classification Scheme 2023. Collection method: clinical testing. Allele origin: germline.

Labcorp Genetics (formerly Invitae), Labcorp
Classification: Uncertain significance for Vici syndrome. Last evaluated: 2024-06-17. Review status: criteria provided, single submitter. Criteria: Invitae Variant Classification Sherloc (09022015). Collection method: clinical testing. Allele origin: germline.
Comment: This sequence change replaces isoleucine, which is neutral and non-polar, with valine, which is neutral and non-polar, at codon 953 of the EPG5 protein (p.Ile953Val). This variant is not present in population databases (gnomAD no frequency). This variant has not been reported in the literature in individuals affected with EPG5-related conditions. ClinVar contains an entry for this variant (Variation ID: 1415430). Advanced modeling of protein sequence and biophysical properties (such as structural, functional, and spatial information, amino acid conservation, physicochemical variation, residue mobility, and thermodynamic stability) performed at Invitae indicates that this missense variant is not expected to disrupt EPG5 protein function with a negative predictive value of 80%. In summary, the available evidence is currently insufficient to determine the role of this variant in disease. Therefore, it has been classified as a Variant of Uncertain Significance.